The following is an entry in ClinVar:

NM_006254.4(PRKCD):c.1180A>G (p.Thr394Ala)

Gene: PRKCD (protein kinase C delta; plus strand). Cytogenetic location: 3p21.1.
Variant type: single nucleotide variant.
Coding change: c.1180A>G on transcript NM_006254.4 (MANE Select); coding-DNA position 1180, A replaced by G.
Protein change: p.Thr394Ala; replaces threonine 394 with alanine.
Molecular consequence: missense variant.
Genome position (GRCh38, 1-based): chr3:53,186,260, A>G. VCF-style: chr3-53186260-A-G. GRCh37 (hg19) VCF-style: chr3-53220276-A-G.
Other names: c.1180A>G, p.Thr394Ala (NM_001316327.2, NM_001354679.2, NM_001354680.2 and 1 more transcripts); c.1237A>G, p.Thr413Ala (NM_001354676.2); c.1228A>G, p.Thr410Ala (NM_001354678.2); short protein forms T394A, T413A, T410A.
Identifiers: ClinVar variation 2717162 (VCV002717162.3), dbSNP rs2471099104, ClinGen allele CA353221849.

ClinVar aggregate classification (germline): Uncertain significance (1 of 4 stars; one submission).

Conditions:
Autoimmune lymphoproliferative syndrome, type III caused by mutation in PRKCD. Identifiers: Orphanet 3261, Orphanet 664711, MedGen C3809928, MONDO:8000024, OMIM 615559.

Submission:

Labcorp Genetics (formerly Invitae), Labcorp
Classification: Uncertain significance for Autoimmune lymphoproliferative syndrome, type III caused by mutation in PRKCD. Last evaluated: 2023-06-16. Review status: criteria provided, single submitter. Criteria: Invitae Variant Classification Sherloc (09022015). Collection method: clinical testing. Allele origin: germline.
Comment: This sequence change replaces threonine, which is neutral and polar, with alanine, which is neutral and non-polar, at codon 394 of the PRKCD protein (p.Thr394Ala). This variant is not present in population databases (gnomAD no frequency). This variant has not been reported in the literature in individuals affected with PRKCD-related conditions. An algorithm developed to predict the effect of missense changes on protein structure and function (PolyPhen-2) suggests that this variant is likely to be disruptive. In summary, the available evidence is currently insufficient to determine the role of this variant in disease. Therefore, it has been classified as a Variant of Uncertain Significance.